The following is an entry in ClinVar:

NM_000329.3(RPE65):c.449A>G (p.Asn150Ser)

Gene: RPE65 (retinoid isomerohydrolase RPE65; minus strand). Cytogenetic location: 1p31.3.
Variant type: single nucleotide variant.
Coding change: c.449A>G on transcript NM_000329.3 (MANE Select); coding-DNA position 449, A replaced by G.
Protein change: p.Asn150Ser; replaces asparagine 150 with serine.
Molecular consequence: missense variant.
Genome position (GRCh38, 1-based): chr1:68,444,577, T>C on the plus strand (A>G on the coding strand, the complement: RPE65 is on the minus strand). VCF-style: chr1-68444577-T-C. GRCh37 (hg19) VCF-style: chr1-68910260-T-C.
Other names: c.449A>G (NM_000329.2); short protein forms N150S.
Identifiers: ClinVar variation 593308 (VCV000593308.10), dbSNP rs891340302, ClinGen allele CA23574788.

ClinVar aggregate classification (germline): Uncertain significance. Review status: criteria provided, multiple submitters, no conflicts (2 of 4 stars). 6 submissions from 6 submitters: Uncertain significance (6). Last evaluated 2026-07-07.

Conditions:
Inborn genetic diseases. Identifiers: MedGen C0950123, MeSH D030342.
Leber congenital amaurosis 2 (LCA2). Also called: Autosomal Recessive RPE65-Related Retinal Degeneration; AMAUROSIS CONGENITA OF LEBER II. Identifiers: Orphanet 65, MedGen C1859844, MONDO:0008765, OMIM 204100. Disease mechanism: loss of function.
Retinitis pigmentosa 20 (RP20). Identifiers: Orphanet 791, MedGen C3151086, MONDO:0013425, OMIM 613794.
RPE65-related disorder. Also called: RPE65-related disorders; RPE65-related condition. Identifiers: MedGen CN239301.

Allele frequency attached by ClinVar (database versions not stated): gnomAD exomes 0.00002 and 0.00006; TOPMed 0.00003; gnomAD 0.00004.
gnomAD v4.1: 100 of 1,614,098 alleles (0.0062%); highest among the groups gnomAD compares: Non-Finnish European, 0.0075%; no homozygotes.

Submissions (6):

Ambry Genetics
Classification: Uncertain significance for Inborn genetic diseases. Last evaluated: 2026-07-07. Review status: criteria provided, single submitter. Criteria: Ambry Variant Classification Scheme 2023. Collection method: clinical testing. Allele origin: germline.
Comment: The p.N150S variant (also known as c.449A>G), located in coding exon 5 of the RPE65 gene, results from an A to G substitution at nucleotide position 449. The asparagine at codon 150 is replaced by serine, an amino acid with highly similar properties. This amino acid position is conserved. In addition, the in silico prediction for this alteration is inconclusive. Based on the available evidence, the clinical significance of this variant remains unclear.

PreventionGenetics, part of Exact Sciences
Classification: Uncertain significance for RPE65-related condition. Last evaluated: 2026-04-29. Review status: criteria provided, single submitter. Criteria: ACMG Guidelines, 2015. Collection method: clinical testing. Allele origin: germline.
Comment: The RPE65 c.449A>G variant is predicted to result in the amino acid substitution p.Asn150Ser. To our knowledge, this variant has not been reported in the literature. This variant is reported in 0.0046% of alleles in individuals of European (Non-Finnish) descent in gnomAD. At this time, the clinical significance of this variant is uncertain due to the absence of conclusive functional and genetic evidence.

Blueprint Genetics
Classification: Uncertain significance. Last evaluated: 2024-09-23. Review status: criteria provided, single submitter. Criteria: ACMG Guidelines, 2015. Collection method: clinical testing. Allele origin: germline.

Labcorp Genetics (formerly Invitae), Labcorp
Classification: Uncertain significance for Leber congenital amaurosis 2; Retinitis pigmentosa 20. Last evaluated: 2022-09-20. Review status: criteria provided, single submitter. Criteria: Invitae Variant Classification Sherloc (09022015). Collection method: clinical testing. Allele origin: germline.
Comment: This sequence change replaces asparagine, which is neutral and polar, with serine, which is neutral and polar, at codon 150 of the RPE65 protein (p.Asn150Ser). This variant is present in population databases (no rsID available, gnomAD 0.005%). This variant has not been reported in the literature in individuals affected with RPE65-related conditions. ClinVar contains an entry for this variant (Variation ID: 593308). Advanced modeling of protein sequence and biophysical properties (such as structural, functional, and spatial information, amino acid conservation, physicochemical variation, residue mobility, and thermodynamic stability) performed at Invitae indicates that this missense variant is not expected to disrupt RPE65 protein function. In summary, the available evidence is currently insufficient to determine the role of this variant in disease. Therefore, it has been classified as a Variant of Uncertain Significance.

GeneDx
Classification: Uncertain significance. Last evaluated: 2022-08-24. Review status: criteria provided, single submitter. Criteria: GeneDx Variant Classification Process June 2021. Collection method: clinical testing. Allele origin: germline. Affected: yes.
Comment: In silico analysis supports that this missense variant has a deleterious effect on protein structure/function; Has not been previously published as pathogenic or benign to our knowledge

Eurofins Ntd Llc (ga)
Classification: Uncertain significance. Last evaluated: 2017-08-03. Review status: criteria provided, single submitter. Criteria: EGL Classification Definitions 2015. Collection method: clinical testing. Allele origin: germline. Observed: 1 variant allele, 1 heterozygote.